The following is an entry in ClinVar:

ClinVar aggregate classification (germline): Uncertain significance (1 of 4 stars; one submission).

Allele frequency attached by ClinVar (database versions not stated): gnomAD 0.00001; gnomAD exomes 0.00001; ExAC 0.00002; TOPMed 0.00003.

Submission:

Labcorp Genetics (formerly Invitae), Labcorp
Classification: Uncertain significance. Last evaluated: 2024-03-29. Review status: criteria provided, single submitter. Criteria: Invitae Variant Classification Sherloc (09022015). Collection method: clinical testing. Allele origin: germline.
Comment: This sequence change falls in intron 4 of the EMC1 gene. It does not directly change the encoded amino acid sequence of the EMC1 protein. It affects a nucleotide within the consensus splice site. This variant is present in population databases (rs766419613, gnomAD 0.02%). This variant has not been reported in the literature in individuals affected with EMC1-related conditions. ClinVar contains an entry for this variant (Variation ID: 1524057). Variants that disrupt the consensus splice site are a relatively common cause of aberrant splicing (PMID: 17576681, 9536098). Algorithms developed to predict the effect of sequence changes on RNA splicing suggest that this variant is not likely to affect RNA splicing. In summary, the available evidence is currently insufficient to determine the role of this variant in disease. Therefore, it has been classified as a Variant of Uncertain Significance.

Literature cited by the submitters: PubMed 17576681; PubMed 9536098.

NM_015047.3(EMC1):c.380+6G>A

Gene: EMC1 (ER membrane protein complex subunit 1; minus strand). Cytogenetic location: 1p36.13.
Variant type: single nucleotide variant.
Coding change: c.380+6G>A on transcript NM_015047.3 (MANE Select); 6 bases into the intron after coding-DNA position 380, G replaced by A.
Molecular consequence: intron variant.
Genome position (GRCh38, 1-based): chr1:19,243,608, C>T on the plus strand (G>A on the coding strand, the complement: EMC1 is on the minus strand). VCF-style: chr1-19243608-C-T. GRCh37 (hg19) VCF-style: chr1-19570102-C-T.
Other names: c.314+6G>A (NM_001271429.2); c.380+6G>A (NM_001271427.2, NM_001375821.1, NM_001271428.2 and 1 more transcripts).
Identifiers: ClinVar variation 1524057 (VCV001524057.6), dbSNP rs766419613, ClinGen allele CA652947.